The following is an entry in ClinVar:

ClinVar aggregate classification (germline): Uncertain significance. Review status: criteria provided, multiple submitters, no conflicts (2 of 4 stars). 2 submissions from 2 submitters: Uncertain significance (2). Last evaluated 2026-04-27.

Conditions:
Cerebellar dysfunction with variable cognitive and behavioral abnormalities (CECBA). Also called: Nonprogressive cerebellar atxia with intellectual disability. Identifiers: Orphanet 314647, MedGen C3553661, MONDO:0013886, OMIM 614756.

Allele frequency attached by ClinVar (database versions not stated): TOPMed 0.00006; gnomAD 0.00005; 1000 Genomes Project 30x 0.00016; ExAC 0.00004; gnomAD exomes 0.00007; 1000 Genomes Project 0.00020.
gnomAD v4.1: 98 of 1,526,486 alleles (0.0064%); highest among the groups gnomAD compares: East Asian, 0.011%; no homozygotes.

Submissions (2):

Dasa
Classification: Uncertain significance for Cerebellar dysfunction with variable cognitive and behavioral abnormalities. Last evaluated: 2026-04-27. Review status: criteria provided, single submitter. Criteria: DASA Assertion Criteria. Collection method: clinical testing. Allele origin: germline.
Comment: NM_015215.4(CAMTA1):c.820G>A (p.Val274Met) is a missense variant that results in the substitution of valine with methionine. This variant is rare in population databases. Computational prediction algorithms are consistent with a benign effect. The currently available literature and clinical evidence are not sufficient to establish a definitive association between this variant and the reported condition. Therefore, this variant is classified as a variant of uncertain significance.

Labcorp Genetics (formerly Invitae), Labcorp
Classification: Uncertain significance. Last evaluated: 2024-06-20. Review status: criteria provided, single submitter. Criteria: Invitae Variant Classification Sherloc (09022015). Collection method: clinical testing. Allele origin: germline.
Comment: This sequence change replaces valine, which is neutral and non-polar, with methionine, which is neutral and non-polar, at codon 274 of the CAMTA1 protein (p.Val274Met). This variant is present in population databases (rs77267405, gnomAD 0.01%). This variant has not been reported in the literature in individuals affected with CAMTA1-related conditions. ClinVar contains an entry for this variant (Variation ID: 2175626). Algorithms developed to predict the effect of missense changes on protein structure and function output the following: SIFT: "Not Available"; PolyPhen-2: "Benign"; Align-GVGD: "Not Available". The methionine amino acid residue is found in multiple mammalian species, which suggests that this missense change does not adversely affect protein function. In summary, the available evidence is currently insufficient to determine the role of this variant in disease. Therefore, it has been classified as a Variant of Uncertain Significance.

NM_015215.4(CAMTA1):c.820G>A (p.Val274Met)

Gene: CAMTA1 (calmodulin binding transcription activator 1; plus strand). Cytogenetic location: 1p36.23.
Variant type: single nucleotide variant.
Coding change: c.820G>A on transcript NM_015215.4 (MANE Select); coding-DNA position 820, G replaced by A.
Protein change: p.Val274Met; replaces valine 274 with methionine.
Molecular consequence: missense variant.
Genome position (GRCh38, 1-based): chr1:7,663,367, G>A. VCF-style: chr1-7663367-G-A. GRCh37 (hg19) VCF-style: chr1-7723427-G-A.
Other names: c.730G>A, p.Val244Met (NM_001349608.2, NM_001349612.2); c.820G>A, p.Val274Met (NM_001349609.2, NM_001349610.2, NM_001410737.1); c.748G>A, p.Val250Met (NM_001410738.1); short protein forms V250M, V244M, V274M.
Identifiers: ClinVar variation 2175626 (VCV002175626.5), dbSNP rs77267405, ClinGen allele CA566305.